The following is an entry in ClinVar:

NM_019098.5(CNGB3):c.595G>A (p.Glu199Lys)

Gene: CNGB3 (cyclic nucleotide gated channel subunit beta 3; minus strand). Cytogenetic location: 8q21.3.
Variant type: single nucleotide variant.
Coding change: c.595G>A on transcript NM_019098.5 (MANE Select); coding-DNA position 595, G replaced by A.
Protein change: p.Glu199Lys; replaces glutamic acid 199 with lysine.
Molecular consequence: missense variant.
Genome position (GRCh38, 1-based): chr8:86,668,067, C>T on the plus strand (G>A on the coding strand, the complement: CNGB3 is on the minus strand). VCF-style: chr8-86668067-C-T. GRCh37 (hg19) VCF-style: chr8-87680295-C-T.
Other names: short protein forms E199K.
Identifiers: ClinVar variation 363881 (VCV000363881.17), dbSNP rs114305748, ClinGen allele CA4800343.

ClinVar aggregate classification (germline): Benign/Likely benign. Review status: criteria provided, multiple submitters, no conflicts (2 of 4 stars). 5 submissions from 4 submitters: Benign (1); Likely benign (3). 1 of the submissions does not count toward it. Last evaluated 2026-02-02.

Conditions:
Achromatopsia. Also called: Rod monochromatism. Identifiers: Orphanet 49382, MedGen C0152200, MONDO:0018852, HP:0011516.
Severe early-childhood-onset retinal dystrophy (STGD1). Also called: STGD; Stargardt macular dystrophy; Juvenile onset macular degeneration; Stargardt disease 1; MACULAR DYSTROPHY WITH FLECKS, TYPE 1. Identifiers: Orphanet 364055, Orphanet 827, MedGen C1855465, MeSH D000080362, MONDO:0009549, OMIM 248200.
Achromatopsia 3 (ACHM3). Also called: PINGELAPESE BLINDNESS; TOTAL COLORBLINDNESS WITH MYOPIA; ROD MONOCHROMACY 1; ROD MONOCHROMATISM 1; ACHROMATOPSIA WITH MYOPIA. Identifiers: Orphanet 49382, MedGen C1849792, MONDO:0009875, OMIM 262300.

Allele frequency attached by ClinVar (database versions not stated): 1000 Genomes Project 0.01777; ESP Exome Variant Server 0.01991; gnomAD 0.01886 and 0.01739; 1000 Genomes Project 30x 0.01983; TOPMed 0.01997.
gnomAD v4.1: 5,124 of 1,613,676 alleles (0.32%); highest among the groups gnomAD compares: African/African-American, 6.1%; 145 homozygotes.

Submissions (5):

Labcorp Genetics (formerly Invitae), Labcorp
Classification: Benign. Last evaluated: 2026-02-02. Review status: criteria provided, single submitter. Criteria: Invitae Variant Classification Sherloc (09022015). Collection method: clinical testing. Allele origin: germline.

Illumina Laboratory Services, Illumina
Classification: Likely benign for Achromatopsia 3. Last evaluated: 2017-04-27. Review status: criteria provided, single submitter. Criteria: ICSL Variant Classification Criteria 13 December 2019. Collection method: clinical testing. Allele origin: germline.
Comment: This variant was observed as part of a predisposition screen in an ostensibly healthy population. A literature search was performed for the gene, cDNA change, and amino acid change (where applicable). No publications were found based on this search. Allele frequency data from public databases allowed determination this variant is unlikely to cause disease. Therefore, this variant is classified as likely benign.

Illumina Laboratory Services, Illumina
Classification: Likely benign for Severe early-childhood-onset retinal dystrophy. Last evaluated: 2017-04-27. Review status: criteria provided, single submitter. Criteria: ICSL Variant Classification Criteria 13 December 2019. Collection method: clinical testing. Allele origin: germline.
Comment: the same text as in the submission from Illumina Laboratory Services, Illumina above.

Breakthrough Genomics
Classification: Likely benign. Review status: criteria provided, single submitter. Criteria: ACMG Guidelines, 2015. Collection method: not provided. Allele origin: germline. Inheritance: Autosomal recessive inheritance. Affected: yes.

Natera, Inc.
Classification: Benign for Achromatopsia. Last evaluated: 2020-09-16. Review status: no assertion criteria provided. Collection method: clinical testing. Allele origin: germline. Not counted in ClinVar's aggregate classification.